The following is an entry in ClinVar:

ClinVar aggregate classification (germline): Uncertain significance (1 of 4 stars; one submission).

Conditions:
Immunodeficiency. Identifiers: MedGen C0021051, MONDO:0021094, HP:0002721.

Allele frequency attached by ClinVar (database versions not stated): TOPMed 0.00002; gnomAD exomes 0.00003; gnomAD 0.00001.

Submission:

Labcorp Genetics (formerly Invitae), Labcorp
Classification: Uncertain significance for Immunodeficiency. Last evaluated: 2025-10-26. Review status: criteria provided, single submitter. Criteria: Invitae Variant Classification Sherloc (09022015). Collection method: clinical testing. Allele origin: germline.
Comment: This sequence change replaces methionine, which is neutral and non-polar, with valine, which is neutral and non-polar, at codon 1040 of the NFAT5 protein (p.Met1040Val). This variant is present in population databases (no rsID available, gnomAD 0.006%). This variant has not been reported in the literature in individuals affected with NFAT5-related conditions. ClinVar contains an entry for this variant (Variation ID: 3012831). An algorithm developed to predict the effect of missense changes on protein structure and function (PolyPhen-2) suggests that this variant is likely to be tolerated. In summary, the available evidence is currently insufficient to determine the role of this variant in disease. Therefore, it has been classified as a Variant of Uncertain Significance.

NM_138713.4(NFAT5):c.3400A>G (p.Met1134Val)

Gene: NFAT5 (nuclear factor of activated T cells 5; plus strand). Cytogenetic location: 16q22.1.
Variant type: single nucleotide variant.
Coding change: c.3400A>G on transcript NM_138713.4 (MANE Select); coding-DNA position 3400, A replaced by G.
Protein change: p.Met1134Val; replaces methionine 1134 with valine.
Molecular consequence: missense variant.
Genome position (GRCh38, 1-based): chr16:69,693,225, A>G. VCF-style: chr16-69693225-A-G. GRCh37 (hg19) VCF-style: chr16-69727128-A-G.
Other names: c.3397A>G, p.Met1133Val (NM_001113178.3); c.2725A>G, p.Met909Val (NM_001367709.1); c.3346A>G, p.Met1116Val (NM_006599.4); c.3118A>G, p.Met1040Val (NM_138714.4, NM_173214.3, NM_173215.3); short protein forms M1133V, M1040V, M1116V, M909V, M1134V.
Identifiers: ClinVar variation 3012831 (VCV003012831.3), dbSNP rs976011406, ClinGen allele CA283374201.
Genomic context (GRCh38, chr16:69,693,225, plus strand): 5'-CCAAATCCTATTGTCCACAGTCAGACTTCTACAACCTCCTCTGAACAAATGCAGCCTCCA[A>G]TGTTTCACTCTCAAAGTACCATTGCTGTGTTACAGGGCTCTTCAGTTCCTCAAGACCAGC-3'
Protein context (NP_619727.2, residues 1124-1144): TTSSEQMQPP[Met1134Val]FHSQSTIAVL